The following is an entry in ClinVar:

ClinVar aggregate classification (germline): Uncertain significance. Review status: criteria provided, multiple submitters, no conflicts (2 of 4 stars). 2 submissions from 2 submitters: Uncertain significance (2). Last evaluated 2024-05-21.

Conditions:
Multiple endocrine neoplasia, type 1 (MEN1). Also called: MEN I; WERMER SYNDROME; Endocrine adenomatosis multiple; MEN 1; MEA I. Identifiers: Orphanet 652, MedGen C0025267, MeSH D018761, MONDO:0007540, OMIM 131100.
Hereditary cancer-predisposing syndrome. Also called: Neoplastic Syndromes, Hereditary; Tumor predisposition; Hereditary neoplastic syndrome; Hereditary Cancer Syndrome. Identifiers: Orphanet 140162, MedGen C0027672, MeSH D009386, MONDO:0015356.

Allele frequency attached by ClinVar (database versions not stated): gnomAD exomes below 0.00001.

Submissions (2):

Ambry Genetics
Classification: Uncertain significance for Hereditary cancer-predisposing syndrome. Last evaluated: 2024-05-21. Review status: criteria provided, single submitter. Criteria: Ambry Variant Classification Scheme 2023. Collection method: clinical testing. Allele origin: germline.
Comment: The p.M322V variant (also known as c.964A>G), located in coding exon 6 of the MEN1 gene, results from an A to G substitution at nucleotide position 964. The methionine at codon 322 is replaced by valine, an amino acid with highly similar properties. This amino acid position is conserved. In addition, the in silico prediction for this alteration is inconclusive. Based on the available evidence, the clinical significance of this variant remains unclear.

Labcorp Genetics (formerly Invitae), Labcorp
Classification: Uncertain significance for Multiple endocrine neoplasia, type 1. Last evaluated: 2024-04-11. Review status: criteria provided, single submitter. Criteria: Invitae Variant Classification Sherloc (09022015). Collection method: clinical testing. Allele origin: germline.
Comment: This sequence change replaces methionine, which is neutral and non-polar, with valine, which is neutral and non-polar, at codon 322 of the MEN1 protein (p.Met322Val). This variant is not present in population databases (gnomAD no frequency). This variant has not been reported in the literature in individuals affected with MEN1-related conditions. ClinVar contains an entry for this variant (Variation ID: 527254). Advanced modeling of protein sequence and biophysical properties (such as structural, functional, and spatial information, amino acid conservation, physicochemical variation, residue mobility, and thermodynamic stability) has been performed at Invitae for this missense variant, however the output from this modeling did not meet the statistical confidence thresholds required to predict the impact of this variant on MEN1 protein function. In summary, the available evidence is currently insufficient to determine the role of this variant in disease. Therefore, it has been classified as a Variant of Uncertain Significance.

NM_001370259.2(MEN1):c.964A>G (p.Met322Val)

Gene: MEN1 (menin 1; minus strand). Cytogenetic location: 11q13.1.
Variant type: single nucleotide variant.
Coding change: c.964A>G on transcript NM_001370259.2 (MANE Select); coding-DNA position 964, A replaced by G.
Protein change: p.Met322Val; replaces methionine 322 with valine.
Molecular consequence: missense variant.
Genome position (GRCh38, 1-based): chr11:64,806,317, T>C on the plus strand (A>G on the coding strand, the complement: MEN1 is on the minus strand). VCF-style: chr11-64806317-T-C. GRCh37 (hg19) VCF-style: chr11-64573789-T-C.
Other names: c.979A>G, p.Met327Val (NM_130801.3, NM_130802.3, NM_130803.3 and 3 more transcripts); c.964A>G, p.Met322Val (NM_001370261.2, NM_130799.3, NM_001370251.2 and 1 more transcripts); c.859A>G, p.Met287Val (NM_001370262.2, NM_001370263.2); short protein forms M322V, M327V, M287V.
Identifiers: ClinVar variation 527254 (VCV000527254.7), dbSNP rs1555165089, ClinGen allele CA381183351.
Genomic context (GRCh38, chr11:64,806,317, plus strand): 5'-CCCAGGCCTGCAGGGCTTCCCGCACATTGCGGTTGCGACAGTGGTAGCCAGCCAGGTACA[T>C]GTAGGGGTAGATGTGTTCATCCCGATAGTAGGTCTTGGCTGAGGCAATGCCCTGGATGGA-3'
Protein context (NP_001357188.2, residues 312-332): YYRDEHIYPY[Met322Val]YLAGYHCRNR